The following is an entry in ClinVar:

ClinVar aggregate classification (germline): Uncertain significance (1 of 4 stars; one submission).

Conditions:
Huntington disease-like 1 (HDL1). Also called: HUNTINGTON-LIKE NEURODEGENERATIVE DISORDER 1; HUNTINGTON-LIKE NEURODEGENERATIVE DISORDER, AUTOSOMAL DOMINANT; PRION DISEASE, EARLY-ONSET, WITH PROMINENT PSYCHIATRIC FEATURES. Identifiers: Orphanet 157941, MedGen C1864112, MONDO:0011299, OMIM 603218.

Allele frequency attached by ClinVar (database versions not stated): TOPMed 0.00003; gnomAD 0.00003; ESP Exome Variant Server 0.00008.
gnomAD v4.1: 9 of 1,613,972 alleles (0.00056%); highest among the groups gnomAD compares: African/African-American, 0.0053%; no homozygotes.

Submission:

Labcorp Genetics (formerly Invitae), Labcorp
Classification: Uncertain significance for Huntington disease-like 1. Last evaluated: 2024-12-17. Review status: criteria provided, single submitter. Criteria: Invitae Variant Classification Sherloc (09022015). Collection method: clinical testing. Allele origin: germline.
Comment: This sequence change replaces arginine, which is basic and polar, with histidine, which is basic and polar, at codon 25 of the PRNP protein (p.Arg25His). This variant is not present in population databases (gnomAD no frequency). This variant has not been reported in the literature in individuals affected with PRNP-related conditions. ClinVar contains an entry for this variant (Variation ID: 2053967). Invitae Evidence Modeling of protein sequence and biophysical properties (such as structural, functional, and spatial information, amino acid conservation, physicochemical variation, residue mobility, and thermodynamic stability) indicates that this missense variant is not expected to disrupt PRNP protein function with a negative predictive value of 80%. In summary, the available evidence is currently insufficient to determine the role of this variant in disease. Therefore, it has been classified as a Variant of Uncertain Significance.

NM_000311.5(PRNP):c.74G>A (p.Arg25His)

Gene: PRNP (prion protein (Kanno blood group); plus strand). Cytogenetic location: 20p13.
Variant type: single nucleotide variant.
Coding change: c.74G>A on transcript NM_000311.5 (MANE Select); coding-DNA position 74, G replaced by A.
Protein change: p.Arg25His; replaces arginine 25 with histidine.
Molecular consequence: missense variant. On other transcripts: 5 prime UTR variant (1).
Genome position (GRCh38, 1-based): chr20:4,699,294, G>A. VCF-style: chr20-4699294-G-A. GRCh37 (hg19) VCF-style: chr20-4679940-G-A.
Other names: c.74G>A, p.Arg25His (NM_001080121.3, NM_001080122.3, NM_001080123.3 and 1 more transcripts); c.-16G>A (NM_001271561.3); short protein forms R25H.
Identifiers: ClinVar variation 2053967 (VCV002053967.4), dbSNP rs146939732, ClinGen allele CA311093172.
Genomic context (GRCh38, chr20:4,699,294, plus strand): 5'-GCTGCTGGATGCTGGTTCTCTTTGTGGCCACATGGAGTGACCTGGGCCTCTGCAAGAAGC[G>A]CCCGAAGCCTGGAGGATGGAACACTGGGGGCAGCCGATACCCGGGGCAGGGCAGCCCTGG-3'
Protein context (NP_000302.1, residues 15-35): TWSDLGLCKK[Arg25His]PKPGGWNTGG